The following is an entry in ClinVar:

ClinVar aggregate classification (germline): Benign (1 of 4 stars; one submission).

Allele frequency attached by ClinVar (database versions not stated): gnomAD 0.00058 and 0.00082; gnomAD exomes 0.00067 and 0.00139; ExAC 0.00138; 1000 Genomes Project 30x 0.00328; 1000 Genomes Project 0.00339.

Submission:

GeneDx
Classification: Benign. Last evaluated: 2020-05-08. Review status: criteria provided, single submitter. Criteria: GeneDx Variant Classification Process June 2021. Collection method: clinical testing. Allele origin: germline. Affected: yes.
Comment: In-frame duplication of 7 amino acids in a non-repeat region; Has not been previously published as pathogenic or benign to our knowledge; Variants in candidate genes are classified as variants of uncertain significance in accordance with ACMG guidelines (Richards et al., 2015)

NM_152376.5(UBXN10):c.103_123dup (p.His35_Ser41dup)

Gene: UBXN10 (UBX domain protein 10; plus strand). Cytogenetic location: 1p36.12.
Variant type: Duplication.
Coding change: c.103_123dup on transcript NM_152376.5 (MANE Select); coding-DNA positions 103 to 123, 21 bases duplicated (CACATGATAAGGCCCAAGTCC).
Protein change: p.His35_Ser41dup.
Molecular consequence: inframe insertion.
Genome position (GRCh38, 1-based): chr1:20,190,664-20,190,684, CACATGATAAGGCCCAAGTCC duplicated. VCF-style (leftmost placement, unchanged base first): chr1-20190663-G-GCACATGATAAGGCCCAAGTCC. GRCh37 (hg19) VCF-style: chr1-20517156-G-GCACATGATAAGGCCCAAGTCC.
Identifiers: ClinVar variation 1265956 (VCV001265956.2), dbSNP rs542983737, ClinGen allele CA658951.